The following is an entry in ClinVar:

NM_003036.4(SKI):c.2124G>C (p.Gln708His)

Gene: SKI (SKI proto-oncogene; plus strand). Cytogenetic location: 1p36.32.
Variant type: single nucleotide variant.
Coding change: c.2124G>C on transcript NM_003036.4 (MANE Select); coding-DNA position 2124, G replaced by C.
Protein change: p.Gln708His; replaces glutamine 708 with histidine.
Molecular consequence: missense variant.
Genome position (GRCh38, 1-based): chr1:2,306,702, G>C. VCF-style: chr1-2306702-G-C. GRCh37 (hg19) VCF-style: chr1-2238141-G-C.
Other names: short protein forms Q708H.
Identifiers: ClinVar variation 3954887 (VCV003954887.2).

ClinVar aggregate classification (germline): Uncertain significance. Review status: criteria provided, multiple submitters, no conflicts (2 of 4 stars). 2 submissions from 2 submitters: Uncertain significance (2). Last evaluated 2025-10-23.

Conditions:
Shprintzen-Goldberg syndrome (SGS). Also called: SHPRINTZEN-GOLDBERG CRANIOSYNOSTOSIS SYNDROME; CRANIOSYNOSTOSIS WITH ARACHNODACTYLY AND ABDOMINAL HERNIAS; Marfanoid disorder with craniosynostosis type 1; Marfanoid craniosynostosis syndrome; Shprintzen-Goldberg marfanoid syndrome. Identifiers: Orphanet 2462, MedGen C1321551, MONDO:0008426, OMIM 182212.
Familial thoracic aortic aneurysm and aortic dissection (TAAD). Also called: Thoracic aortic aneurysms and dissections. Identifiers: Orphanet 91387, MedGen C4707243, MONDO:0019625.

Submissions (2):

Labcorp Genetics (formerly Invitae), Labcorp
Classification: Uncertain significance for Shprintzen-Goldberg syndrome. Last evaluated: 2025-10-23. Review status: criteria provided, single submitter. Criteria: Invitae Variant Classification Sherloc (09022015). Collection method: clinical testing. Allele origin: germline.
Comment: This sequence change replaces glutamine, which is neutral and polar, with histidine, which is basic and polar, at codon 708 of the SKI protein (p.Gln708His). This variant is not present in population databases (gnomAD no frequency). This variant has not been reported in the literature in individuals affected with SKI-related conditions. ClinVar contains an entry for this variant (Variation ID: 3954887). Invitae Evidence Modeling of protein sequence and biophysical properties (such as structural, functional, and spatial information, amino acid conservation, physicochemical variation, residue mobility, and thermodynamic stability) indicates that this missense variant is expected to disrupt SKI protein function with a positive predictive value of 95%. In summary, the available evidence is currently insufficient to determine the role of this variant in disease. Therefore, it has been classified as a Variant of Uncertain Significance.

Ambry Genetics
Classification: Uncertain significance for Familial thoracic aortic aneurysm and aortic dissection. Last evaluated: 2025-05-03. Review status: criteria provided, single submitter. Criteria: Ambry Variant Classification Scheme 2023. Collection method: clinical testing. Allele origin: germline.
Comment: The p.Q708H variant (also known as c.2124G>C), located in coding exon 7 of the SKI gene, results from a G to C substitution at nucleotide position 2124. The glutamine at codon 708 is replaced by histidine, an amino acid with highly similar properties. This amino acid position is conserved. In addition, this alteration is predicted to be deleterious by in silico analysis. Based on the available evidence, the clinical significance of this variant remains unclear.